The following is an entry in ClinVar:

NM_000020.3(ACVRL1):c.433del (p.Arg145fs)

Gene: ACVRL1 (activin A receptor like type 1; plus strand). Cytogenetic location: 12q13.13.
Variant type: Deletion.
Coding change: c.433del on transcript NM_000020.3 (MANE Select); coding-DNA position 433, one base deleted (C; older notation c.433delC).
Protein change: p.Arg145fs; shifts the reading frame from arginine 145.
Molecular consequence: frameshift variant.
Genome position (GRCh38, 1-based): chr12:51,913,678, C deleted. VCF-style (leftmost placement, unchanged base first): chr12-51913677-AC-A. GRCh37 (hg19) VCF-style: chr12-52307461-AC-A.
Other names: c.433del, p.Arg145fs (NM_001077401.2); c.433delC, p.Arg145Glyfs (NM_001406487.1, NM_001406488.1, NM_001406489.1); short protein forms R145fs.
Identifiers: ClinVar variation 1739848 (VCV001739848.2), dbSNP rs2540160726, ClinGen allele CA2580086451.
Genomic context (GRCh38, chr12:51,913,677, plus strand): 5'-CCCCGTGCTGGCCTTGCTGGCCCTGGTGGCCCTGGGTGTCCTGGGCCTGTGGCATGTCCG[AC>A]GGAGGCAGGAGAAGCAGCGTGGCCTGCACAGCGAGCTGGGAGAGTCCAGTCTCATCCTGA-3'

ClinVar aggregate classification (germline): Pathogenic (1 of 4 stars; one submission).

Conditions:
Cardiovascular phenotype. Identifiers: MedGen CN230736.

Submission:

Ambry Genetics
Classification: Pathogenic for Cardiovascular phenotype. Last evaluated: 2020-12-10. Review status: criteria provided, single submitter. Criteria: Ambry Variant Classification Scheme 2023. Collection method: clinical testing. Allele origin: germline.
Comment: The c.433delC pathogenic mutation, located in coding exon 3 of the ACVRL1 gene, results from a deletion of one nucleotide at nucleotide position 433, causing a translational frameshift with a predicted alternate stop codon (p.R145Gfs*20). This alteration is expected to result in loss of function by premature protein truncation or nonsense-mediated mRNA decay. As such, this alteration is interpreted as a disease-causing mutation.